The following continues an entry in ClinVar:

NM_007294.4(BRCA1):c.1511G>A (p.Arg504His)

Gene: BRCA1. ClinVar aggregate classification (germline): Benign. Benign (1).

Submissions 18 to 22 of 22:

CSER _CC_NCGL, University of Washington
Classification: Uncertain significance for Breast and/or ovarian cancer. Last evaluated: 2014-06-01. Review status: criteria provided, single submitter. Criteria: Amendola et al. (Genome Res. 2015). Collection method: research. Allele origin: germline. Inheritance: Autosomal dominant inheritance. Study: ESP 6500 variant annotation. Not counted in ClinVar's aggregate classification.
Comment: Low GERP score may suggest that this variant may belong in a lower pathogenicity class

Variants classified for the Actionable exomic incidental findings in 6503 participants: challenges of variant classification manuscript

Counsyl
Classification: Likely benign for Breast-ovarian cancer, familial 1. Last evaluated: 2014-07-22. Review status: no assertion criteria provided. Collection method: literature only. Allele origin: unknown. Inheritance: Autosomal dominant inheritance. Not counted in ClinVar's aggregate classification.

Research Molecular Genetics Laboratory, Women's College Hospital, University of Toronto
Classification: Benign. Last evaluated: 2014-01-31. Review status: no assertion criteria provided. Collection method: research. Allele origin: germline. Affected: yes. Study: The Canadian Open Genetics Repository (COGR). Not counted in ClinVar's aggregate classification.

ITMI
No classification provided. Condition: AllHighlyPenetrant. Last evaluated: 2013-09-19. Review status: no classification provided. Collection method: reference population. Allele origin: germline. Not counted in ClinVar's aggregate classification.
Comment: Please see associated publication for description of ethnicities

Breast Cancer Information Core (BIC) (BRCA1)
Classification: Uncertain significance for Breast-ovarian cancer, familial 1. Last evaluated: 2002-05-29. Review status: no assertion criteria provided. Collection method: clinical testing. Allele origin: germline. Affected: yes. Observed: 19 variant alleles. Not counted in ClinVar's aggregate classification.

Literature cited by the submitters: PubMed 21990134 (cited by 5 submitters); PubMed 30827823 (cited by Department of Pathology and Laboratory Medicine, Sinai Health System); PubMed 33471991 (cited by Department of Pathology and Laboratory Medicine, Sinai Health System); DOI 10.3389/fgene.2022.834265 (cited by National Health Laboratory Service, Universitas Academic Hospital and University of the Free State); PubMed 20858050 (cited by Illumina Laboratory Services, Illumina and Counsyl); PubMed 16014699 (cited by 3 submitters); PubMed 15235020 (cited by 3 submitters); PubMed 25637381 (cited by Illumina Laboratory Services, Illumina); PubMed 24728327 (cited by 4 submitters); PubMed 17924331 (cited by 3 submitters); PubMed 16267036 (cited by Women's Health and Genetics/Laboratory Corporation of America, LabCorp); PubMed 15385441 (cited by Women's Health and Genetics/Laboratory Corporation of America, LabCorp); PubMed 12531920 (cited by Women's Health and Genetics/Laboratory Corporation of America, LabCorp); PubMed 23704879 (cited by Women's Health and Genetics/Laboratory Corporation of America, LabCorp); PubMed 18779604 (cited by Women's Health and Genetics/Laboratory Corporation of America, LabCorp).